The following is an entry in ClinVar:

ClinVar aggregate classification (germline): Benign/Likely benign. Review status: criteria provided, multiple submitters, no conflicts (2 of 4 stars). 7 submissions from 7 submitters: Benign (6); Likely benign (1). Last evaluated 2026-02-03.

Conditions:
Cutis laxa, autosomal dominant 3 (ADCL3). Identifiers: Orphanet 90348, MedGen C4225268, MONDO:0014706, OMIM 616603.
Autosomal dominant spastic paraplegia type 9. Identifiers: MedGen C1832669, MONDO:0015091.
de Barsy syndrome. Also called: Cutis laxa-corneal clouding-oligophrenia syndrome. Identifiers: Orphanet 2962, MedGen C0268354, MONDO:0017569.
Hereditary spastic paraplegia. Also called: Familial spastic paraparesis. Identifiers: Orphanet 685, MedGen C0037773, MONDO:0019064. Disease mechanism: loss of function.
ALDH18A1-related de Barsy syndrome. Also called: Cutis laxa, autosomal recessive IIIA; DE BARSY SYNDROME A. Identifiers: Orphanet 2962, Orphanet 35664, MedGen C5234852, MONDO:0009053, OMIM 219150.
Autosomal recessive complex spastic paraplegia type 9B. Also called: Spastic paraplegia 9b, autosomal recessive. Identifiers: Orphanet 447760, MedGen C5568980, MONDO:0014702, OMIM 616586.
Hereditary spastic paraplegia 9A. Also called: SPASTIC PARAPARESIS WITH AMYOTROPHY, CATARACTS, AND GASTROESOPHAGEAL REFLUX; SPASTIC PARAPLEGIA 9A, AUTOSOMAL DOMINANT; CATARACTS WITH MOTOR NEURONOPATHY, SHORT STATURE, AND SKELETAL ABNORMALITIES. Identifiers: Orphanet 100990, Orphanet 447753, MedGen C5568978, MONDO:0011006, OMIM 601162.

Allele frequency attached by ClinVar (database versions not stated): gnomAD 0.00134 and 0.00187; TOPMed 0.00261; ExAC 0.00431; gnomAD exomes 0.00456; 1000 Genomes Project 0.00759; 1000 Genomes Project 30x 0.00781.
gnomAD v4.1: 2,787 of 1,614,072 alleles (0.17%); highest among the groups gnomAD compares: East Asian, 4.6%; 67 homozygotes.

Submissions (7):

Labcorp Genetics (formerly Invitae), Labcorp
Classification: Benign for Autosomal dominant spastic paraplegia type 9; de Barsy syndrome; Cutis laxa, autosomal dominant 3. Last evaluated: 2026-02-03. Review status: criteria provided, single submitter. Criteria: Invitae Variant Classification Sherloc (09022015). Collection method: clinical testing. Allele origin: germline.

Mayo Clinic Laboratories, Mayo Clinic
Classification: Benign. Last evaluated: 2023-02-26. Review status: criteria provided, single submitter. Criteria: ACMG Guidelines, 2015. Collection method: clinical testing. Allele origin: germline. Observed: 2 variant alleles.

Fulgent Genetics
Classification: Likely benign for ALDH18A1-related de Barsy syndrome; Hereditary spastic paraplegia 9A; Autosomal recessive complex spastic paraplegia type 9B; Cutis laxa, autosomal dominant 3. Last evaluated: 2022-04-06. Review status: criteria provided, single submitter. Criteria: ACMG Guidelines, 2015. Collection method: clinical testing. Allele origin: unknown.

Genome Diagnostics Laboratory, The Hospital for Sick Children
Classification: Benign for Hereditary spastic paraplegia. Last evaluated: 2018-08-01. Review status: criteria provided, single submitter. Criteria: ACMG Guidelines, 2015. Collection method: clinical testing. Allele origin: germline. Affected: yes.

GeneDx
Classification: Benign. Last evaluated: 2018-07-12. Review status: criteria provided, single submitter. Criteria: GeneDx Variant Classification Process June 2021. Collection method: clinical testing. Allele origin: germline. Affected: yes.

Illumina Laboratory Services, Illumina
Classification: Benign for ALDH18A1-related de Barsy syndrome. Last evaluated: 2018-01-12. Review status: criteria provided, single submitter. Criteria: ICSL Variant Classification Criteria 13 December 2019. Collection method: clinical testing. Allele origin: germline.
Comment: This variant was observed in the ICSL laboratory as part of a predisposition screen in an ostensibly healthy population. It had not been previously curated by ICSL or reported in the Human Gene Mutation Database (HGMD: prior to June 1st, 2018), and was therefore a candidate for classification through an automated scoring system. Utilizing variant allele frequency, disease prevalence and penetrance estimates, and inheritance mode, an automated score was calculated to assess if this variant is too frequent to cause the disease. Based on the score and internal cut-off values, a variant classified as benign is not then subjected to further curation. The score for this variant resulted in a classification of benign for this disease.

Breakthrough Genomics
Classification: Benign. Review status: criteria provided, single submitter. Criteria: ACMG Guidelines, 2015. Collection method: not provided. Allele origin: germline. Inheritance: Autosomal recessive inheritance. Affected: yes.

NM_002860.4(ALDH18A1):c.1329C>T (p.Ile443=)

Gene: ALDH18A1 (aldehyde dehydrogenase 18 family member A1; minus strand). Cytogenetic location: 10q24.1.
Variant type: single nucleotide variant.
Coding change: c.1329C>T on transcript NM_002860.4 (MANE Select); coding-DNA position 1329, C replaced by T.
Protein change: p.Ile443=; no amino-acid change (isoleucine 443 retained).
Molecular consequence: synonymous variant.
Genome position (GRCh38, 1-based): chr10:95,621,169, G>A on the plus strand (C>T on the coding strand, the complement: ALDH18A1 is on the minus strand). VCF-style: chr10-95621169-G-A. GRCh37 (hg19) VCF-style: chr10-97380926-G-A.
Other names: p.Ile443=; c.1323C>T, p.Ile441= (NM_001017423.2, NM_001323415.2); c.996C>T, p.Ile332= (NM_001323412.2, NM_001323416.2); c.1329C>T, p.Ile443= (NM_001323413.2, NM_001323414.2); c.1224C>T, p.Ile408= (NM_001323417.2); c.990C>T, p.Ile330= (NM_001323418.2); c.693C>T, p.Ile231= (NM_001323419.2).
Identifiers: ClinVar variation 301767 (VCV000301767.23), dbSNP rs117709404, ClinGen allele CA5620349.